The following is an entry in ClinVar:

ClinVar aggregate classification (germline): Uncertain significance (1 of 4 stars; one submission).

Allele frequency attached by ClinVar (database versions not stated): gnomAD exomes below 0.00001.
gnomAD v4.1: 1 of 1,608,298 alleles (0.000062%); highest among the groups gnomAD compares: Non-Finnish European, 0.000085%; no homozygotes.

Submission:

GeneDx
Classification: Uncertain significance. Last evaluated: 2026-09-17. Review status: criteria provided, single submitter. Criteria: GeneDx Variant Classification Process June 2021. Collection method: clinical testing. Allele origin: germline.
Comment: Not observed at significant frequency in large population cohorts (gnomAD); In silico analysis suggests that this missense variant does not alter protein structure/function; Has not been previously published as pathogenic or benign to our knowledge

NM_014516.4(CNOT3):c.1594C>T (p.Pro532Ser)

Gene: CNOT3 (CCR4-NOT transcription complex subunit 3; plus strand). Cytogenetic location: 19q13.42.
Variant type: single nucleotide variant.
Coding change: c.1594C>T on transcript NM_014516.4 (MANE Select); coding-DNA position 1594, C replaced by T.
Protein change: p.Pro532Ser; replaces proline 532 with serine.
Molecular consequence: missense variant.
Genome position (GRCh38, 1-based): chr19:54,149,747, C>T. VCF-style: chr19-54149747-C-T. GRCh37 (hg19) VCF-style: chr19-54653482-C-T.
Other names: short protein forms P532S.
Identifiers: ClinVar variation 1803446 (VCV001803446.2), dbSNP rs2518549946, ClinGen allele CA407766930.